The following is an entry in ClinVar:

ClinVar aggregate classification (germline): Uncertain significance. Review status: criteria provided, multiple submitters, no conflicts (2 of 4 stars). 2 submissions from 2 submitters: Uncertain significance (2). Last evaluated 2024-05-16.

Conditions:
Early-infantile DEE. Also called: Early infantile epileptic encephalopathy with suppression bursts; Early infantile epileptic encephalopathy; Ohtahara syndrome. Identifiers: Orphanet 1934, MedGen C0393706, MONDO:0800491.

Allele frequency attached by ClinVar (database versions not stated): TOPMed 0.00001.

Submissions (2):

Labcorp Genetics (formerly Invitae), Labcorp
Classification: Uncertain significance for Early-infantile DEE. Last evaluated: 2024-05-16. Review status: criteria provided, single submitter. Criteria: Invitae Variant Classification Sherloc (09022015). Collection method: clinical testing. Allele origin: germline.
Comment: This sequence change falls in intron 21 of the SCN1A gene. It does not directly change the encoded amino acid sequence of the SCN1A protein. It affects a nucleotide within the consensus splice site. This variant is not present in population databases (gnomAD no frequency). This variant has not been reported in the literature in individuals affected with SCN1A-related conditions. ClinVar contains an entry for this variant (Variation ID: 2435679). Variants that disrupt the consensus splice site are a relatively common cause of aberrant splicing (PMID: 17576681, 9536098). Algorithms developed to predict the effect of sequence changes on RNA splicing suggest that this variant is not likely to affect RNA splicing. In summary, the available evidence is currently insufficient to determine the role of this variant in disease. Therefore, it has been classified as a Variant of Uncertain Significance.

Revvity Omics, Revvity
Classification: Uncertain significance. Last evaluated: 2022-06-01. Review status: criteria provided, single submitter. Criteria: ACMG Guidelines, 2015. Collection method: clinical testing. Allele origin: germline.

Literature cited by the submitters: PubMed 17576681 (cited by Labcorp Genetics (formerly Invitae), Labcorp); PubMed 9536098 (cited by Labcorp Genetics (formerly Invitae), Labcorp).

NM_001165963.4(SCN1A):c.4285-3T>C

Genes: SCN1A (sodium voltage-gated channel alpha subunit 1; minus strand), LOC102724058 (uncharacterized LOC102724058; plus strand). Cytogenetic location: 2q24.3.
Variant type: single nucleotide variant.
Coding change: c.4285-3T>C on transcript NM_001165963.4 (MANE Select); 3 bases into the intron before coding-DNA position 4285, T replaced by C.
Molecular consequence: intron variant.
Genome position (GRCh38, 1-based): chr2:165,999,779, A>G on the plus strand (T>C on the coding strand, the complement: SCN1A is on the minus strand). VCF-style: chr2-165999779-A-G. GRCh37 (hg19) VCF-style: chr2-166856289-A-G.
Other names: c.4252-3T>C (NM_001353949.2, NM_001353950.2, NM_001353951.2 and 2 more transcripts); c.4201-3T>C (NM_001353958.2, NM_001353957.2, NM_001165964.3); c.4285-3T>C (NM_001202435.3, NM_001353948.2); c.4249-3T>C (NM_001353955.2, NM_001353954.2); c.4198-3T>C (NM_001353960.2); c.1843-3T>C (NM_001353961.2).
Identifiers: ClinVar variation 2435679 (VCV002435679.5), dbSNP rs1357355815, ClinGen allele CA760215911.